The following is an entry in ClinVar:

NM_000548.5(TSC2):c.3883+1del

Gene: TSC2 (TSC complex subunit 2; plus strand). Cytogenetic location: 16p13.3.
Variant type: Deletion.
Coding change: c.3883+1del on transcript NM_000548.5 (MANE Select); the canonical splice donor site of the intron after coding-DNA position 3883, one base deleted (G; older notation c.3883+1delG).
Molecular consequence: splice donor variant. On other transcripts: intron variant (33), frameshift variant (1).
Genome position (GRCh38, 1-based): chr16:2,082,505, G deleted; the last of 2 consecutive G bases (chr16:2,082,504-2,082,505); deleting either gives the same sequence. VCF-style (leftmost placement, unchanged base first): chr16-2082503-AG-A. GRCh37 (hg19) VCF-style: chr16-2132504-AG-A.
Other names: c.3814+707del (NM_001114382.3); c.3880+1del (NM_001406663.1); c.3811+707del (NM_001406664.1); c.3754+1del (NM_021055.3, NM_001370405.1); c.3685+707del (NM_001363528.2); c.3751+1del (NM_001370404.1); c.3682+707del (NM_001077183.3); c.2341+707del (NM_001406694.1, NM_001406693.1, NM_001406692.1); and 26 more; short protein forms G1251fs.
Identifiers: ClinVar variation 3974672 (VCV003974672.1).
Genomic context (GRCh38, chr16:2,082,503, plus strand): 5'-TTTCTCCTCCCTGTACCAGTCCAGCTGCCAAGGACAGCTGCACAGGAGCGTTTCCTGGGC[AG>A]GTATCGCCTCTCAGAGGGAAGCGGTTGGCTGCAGAGCGCCACTCTGCCTCATAGGTGCTG-3'

ClinVar aggregate classification (germline): Uncertain significance (1 of 4 stars; one submission).

Conditions:
Hereditary cancer-predisposing syndrome. Also called: Tumor predisposition; Hereditary neoplastic syndrome; Hereditary Cancer Syndrome; Neoplastic Syndromes, Hereditary. Identifiers: Orphanet 140162, MedGen C0027672, MeSH D009386, MONDO:0015356.

Submission:

Ambry Genetics
Classification: Uncertain significance for Hereditary cancer-predisposing syndrome. Last evaluated: 2025-05-20. Review status: criteria provided, single submitter. Criteria: Ambry Variant Classification Scheme 2023. Collection method: clinical testing. Allele origin: germline.
Comment: The c.3883+1delG intronic variant, located in intron 31 of the TSC2 gene, results from a deletion of one nucleotide within intron 31 of the TSC2 gene. This nucleotide position is highly conserved in available vertebrate species. In silico splice site analysis predicts that this alteration will weaken the native splice donor site. RNA studies have demonstrated that this alteration results in a splice defect involving exons excluded from naturally occurring transcripts; the clinical impact of this abnormal splicing is unknown at this time (Ambry internal data). Based on the available evidence, the clinical significance of this variant remains unclear.